The following is an entry in ClinVar:

ClinVar aggregate classification (germline): Uncertain significance. Review status: criteria provided, multiple submitters, no conflicts (2 of 4 stars). 2 submissions from 2 submitters: Uncertain significance (2). Last evaluated 2025-11-10.

Conditions:
Hereditary cancer-predisposing syndrome. Also called: Hereditary neoplastic syndrome; Neoplastic Syndromes, Hereditary; Tumor predisposition; Hereditary Cancer Syndrome. Identifiers: Orphanet 140162, MedGen C0027672, MeSH D009386, MONDO:0015356.
Familial cancer of breast. Also called: hereditary breast carcinoma; BREAST CANCER, FAMILIAL; Hereditary breast cancer. Identifiers: Orphanet 227535, MedGen C0346153, MONDO:0016419, OMIM 114480. Disease mechanism: loss of function.

Allele frequency attached by ClinVar (database versions not stated): gnomAD exomes below 0.00001 and 0.00001; ExAC 0.00001.

Submissions (2):

Labcorp Genetics (formerly Invitae), Labcorp
Classification: Uncertain significance for Familial cancer of breast. Last evaluated: 2025-11-10. Review status: criteria provided, single submitter. Criteria: Invitae Variant Classification Sherloc (09022015). Collection method: clinical testing. Allele origin: germline.
Comment: This sequence change replaces cysteine, which is neutral and slightly polar, with serine, which is neutral and polar, at codon 800 of the PALB2 protein (p.Cys800Ser). This variant is present in population databases (rs757899898, gnomAD 0.002%). This variant has not been reported in the literature in individuals affected with PALB2-related conditions. ClinVar contains an entry for this variant (Variation ID: 834576). Invitae Evidence Modeling of protein sequence and biophysical properties (such as structural, functional, and spatial information, amino acid conservation, physicochemical variation, residue mobility, and thermodynamic stability) indicates that this missense variant is not expected to disrupt PALB2 protein function with a negative predictive value of 80%. In summary, the available evidence is currently insufficient to determine the role of this variant in disease. Therefore, it has been classified as a Variant of Uncertain Significance.

Ambry Genetics
Classification: Uncertain significance for Hereditary cancer-predisposing syndrome. Last evaluated: 2023-12-29. Review status: criteria provided, single submitter. Criteria: Ambry Variant Classification Scheme 2023. Collection method: clinical testing. Allele origin: germline.
Comment: The p.C800S variant (also known as c.2399G>C), located in coding exon 5 of the PALB2 gene, results from a G to C substitution at nucleotide position 2399. The cysteine at codon 800 is replaced by serine, an amino acid with dissimilar properties. This amino acid position is conserved. In addition, this alteration is predicted to be tolerated by in silico analysis. Since supporting evidence is limited at this time, the clinical significance of this alteration remains unclear.

NM_024675.4(PALB2):c.2399G>C (p.Cys800Ser)

Gene: PALB2 (partner and localizer of BRCA2; minus strand). Cytogenetic location: 16p12.2.
Variant type: single nucleotide variant.
Coding change: c.2399G>C on transcript NM_024675.4 (MANE Select); coding-DNA position 2399, G replaced by C.
Protein change: p.Cys800Ser; replaces cysteine 800 with serine.
Molecular consequence: missense variant.
Genome position (GRCh38, 1-based): chr16:23,629,755, C>G on the plus strand (G>C on the coding strand, the complement: PALB2 is on the minus strand). VCF-style: chr16-23629755-C-G. GRCh37 (hg19) VCF-style: chr16-23641076-C-G.
Other names: short protein forms C800S.
Identifiers: ClinVar variation 834576 (VCV000834576.13), dbSNP rs757899898, ClinGen allele CA7963584.
Genomic context (GRCh38, chr16:23,629,755, plus strand): 5'-TCTTTAAAAGTGAATGACTCAATGGGTGGAGGTGTTCCTGGCGGGACAGAGTCACAGTCA[C>G]AGGTAGGTTGTCCTTGCCTGCCTGACACTTGCAGGGTGGTATGTGGTTTTGCTGGGCTGC-3'
Protein context (NP_078951.2, residues 790-810): QVSGRQGQPT[Cys800Ser]DCDSVPPGTP